The following is an entry in ClinVar:

ClinVar aggregate classification (germline): Pathogenic. Review status: reviewed by expert panel (3 of 4 stars). 4 submissions from 4 submitters: Pathogenic (1). 3 of the submissions do not count toward it. Last evaluated 2017-12-15.

Conditions:
Familial cancer of breast. Also called: BREAST CANCER, FAMILIAL; Hereditary breast cancer; hereditary breast carcinoma. Identifiers: Orphanet 227535, MedGen C0346153, MONDO:0016419, OMIM 114480. Disease mechanism: loss of function.
Hereditary cancer-predisposing syndrome. Also called: Neoplastic Syndromes, Hereditary; Tumor predisposition; Hereditary neoplastic syndrome; Hereditary Cancer Syndrome. Identifiers: Orphanet 140162, MedGen C0027672, MeSH D009386, MONDO:0015356.
Breast-ovarian cancer, familial, susceptibility to, 2 (BROVCA2). Also called: BRCA2 Hereditary Breast and Ovarian Cancer. Identifiers: Orphanet 145, MedGen C2675520, MONDO:0012933, OMIM 612555. Disease mechanism: loss of function.

Submissions (4):

Evidence-based Network for the Interpretation of Germline Mutant Alleles (ENIGMA)
Classification: Pathogenic for Breast-ovarian cancer, familial, susceptibility to, 2. Last evaluated: 2017-12-15. Review status: reviewed by expert panel. Criteria: ENIGMA BRCA1/2 Classification Criteria (2017-06-29). Collection method: curation. Allele origin: germline. Study: ENIGMA.
Comment: Variant allele predicted to encode a truncated non-functional protein.

Ambry Genetics
Classification: Pathogenic for Hereditary cancer-predisposing syndrome. Last evaluated: 2024-10-29. Review status: criteria provided, single submitter. Criteria: Ambry Variant Classification Scheme 2023. Collection method: clinical testing. Allele origin: germline. Not counted in ClinVar's aggregate classification.
Comment: The c.5164_5168dupAGTAC pathogenic mutation, located in coding exon 10 of the BRCA2 gene, results from a duplication of AGTAC at nucleotide position 5164, causing a translational frameshift with a predicted alternate stop codon (p.I1724Vfs*3). This variant is considered to be rare based on population cohorts in the Genome Aggregation Database (gnomAD). This alteration is expected to result in loss of function by premature protein truncation or nonsense-mediated mRNA decay. As such, this alteration is interpreted as a disease-causing mutation.

Baylor Genetics
Classification: Pathogenic for Familial cancer of breast. Last evaluated: 2023-10-25. Review status: criteria provided, single submitter. Criteria: ACMG Guidelines, 2015. Collection method: clinical testing. Allele origin: unknown. Not counted in ClinVar's aggregate classification.

ClinVar Staff, National Center for Biotechnology Information (NCBI)
No classification provided. Condition: Familial cancer of breast. Review status: no classification provided. Collection method: literature only. Allele origin: germline. Affected: yes. Not counted in ClinVar's aggregate classification.

Literature cited by the submitters: PubMed 18286383 (cited by Ambry Genetics and ClinVar Staff, National Center for Biotechnology Information (NCBI)).

NM_000059.4(BRCA2):c.5164_5168dup (p.Ile1724fs)

Gene: BRCA2 (BRCA2 DNA repair associated; plus strand). Cytogenetic location: 13q13.1.
Variant type: Duplication.
Coding change: c.5164_5168dup on transcript NM_000059.4 (MANE Select); coding-DNA positions 5164 to 5168, 5 bases duplicated (AGTAC; older notation c.5164_5168dupAGTAC).
Protein change: p.Ile1724fs; shifts the reading frame from isoleucine 1724.
Molecular consequence: frameshift variant.
Genome position (GRCh38, 1-based): chr13:32,339,519-32,339,523, AGTAC duplicated; duplicating any 5 consecutive bases within chr13:32,339,517-32,339,523 gives the same sequence; the c. name uses the placement nearest the transcript's 3' end. VCF-style (leftmost placement, unchanged base first): chr13-32339516-A-AACAGT. GRCh37 (hg19) VCF-style: chr13-32913653-A-AACAGT.
Other names: c.5164_5168dupAGTAC (NM_000059.3); short protein forms I1724fs.
Identifiers: ClinVar variation 51792 (VCV000051792.5), dbSNP rs397507765, ClinGen allele CA021528.